The following is an entry in ClinVar:

ClinVar aggregate classification (germline): Pathogenic (1 of 4 stars; one submission).

Conditions:
Kabuki syndrome. Also called: NIIKAWA-KUROKI SYNDROME; Kabuki make-up syndrome. Identifiers: Orphanet 2322, MedGen C0796004, MONDO:0016512.

Submission:

Labcorp Genetics (formerly Invitae), Labcorp
Classification: Pathogenic for Kabuki syndrome. Last evaluated: 2018-10-01. Review status: criteria provided, single submitter. Criteria: Invitae Variant Classification Sherloc (09022015). Collection method: clinical testing. Allele origin: germline.
Comment: This sequence change creates a premature translational stop signal (p.Ser1263*) in the KMT2D gene. It is expected to result in an absent or disrupted protein product. This variant is not present in population databases (ExAC no frequency). This variant has not been reported in the literature in individuals with KMT2D-related disease. Loss-of-function variants in KMT2D are known to be pathogenic (PMID: 22126750). For these reasons, this variant has been classified as Pathogenic.

NM_003482.4(KMT2D):c.3788C>G (p.Ser1263Ter)

Genes: KMT2D (lysine methyltransferase 2D; minus strand), LOC126861520 (CDK7 strongly-dependent group 2 enhancer GRCh37_chr12:49442744-49443943; plus strand). Cytogenetic location: 12q13.12.
Variant type: single nucleotide variant.
Coding change: c.3788C>G on transcript NM_003482.4 (MANE Select); coding-DNA position 3788, C replaced by G.
Protein change: p.Ser1263Ter; replaces serine 1263 with a stop codon.
Molecular consequence: nonsense.
Genome position (GRCh38, 1-based): chr12:49,049,800, G>C on the plus strand (C>G on the coding strand, the complement: KMT2D is on the minus strand). VCF-style: chr12-49049800-G-C. GRCh37 (hg19) VCF-style: chr12-49443583-G-C.
Other names: short protein forms S1263*.
Identifiers: ClinVar variation 645513 (VCV000645513.1), dbSNP rs1592151169, ClinGen allele CA384653371.